The following is an entry in ClinVar:

ClinVar aggregate classification (germline): Likely pathogenic. Review status: criteria provided, single submitter (1 of 4 stars). 2 submissions from 2 submitters: Likely pathogenic (1). 1 of the submissions does not count toward it. Last evaluated 2022-03-15.

Conditions:
Neurodevelopmental disorder with hypotonia and brain abnormalities. Identifiers: MedGen C5561977, MONDO:0859187, OMIM 619512.
Neurodevelopmental delay. Identifiers: MedGen C4022738, HP:0012758.

Submissions (2):

SIB Swiss Institute of Bioinformatics
Classification: Likely pathogenic for Neurodevelopmental disorder with hypotonia and brain abnormalities. Last evaluated: 2022-03-15. Review status: criteria provided, single submitter. Criteria: ACMG Guidelines, 2015. Collection method: curation. Allele origin: unknown.
Comment: This variant is interpreted as likely pathogenic for Neurodevelopmental disorder with hypotonia and brain abnormalities, autosomal dominant. The following ACMG Tag(s) were applied: Absent from controls (or at extremely low frequency if recessive) in Exome Sequencing Project, 1000 Genomes Project, or Exome Aggregation Consortium (PM2); De novo, paternity and maternity confirmed (PS2 downgraded to moderate); Multiple lines of computational evidence support a deleterious effect on the gene or gene product (PP3); Missense variant in a gene that has a low rate of benign missense variation (PP2).

Gene Discovery Core-Manton Center, Boston Children's Hospital
Classification: Pathogenic for Neurodevelopmental delay. Review status: no assertion criteria provided. Collection method: clinical testing. Allele origin: de novo. Affected: yes. Observed: 1 variant allele. Not counted in ClinVar's aggregate classification.

Literature cited by the submitters: PubMed 34186028 (cited by SIB Swiss Institute of Bioinformatics).

NM_001829.4(CLCN3):c.1357A>C (p.Ser453Arg)

Gene: CLCN3 (chloride voltage-gated channel 3; plus strand). Cytogenetic location: 4q33.
Variant type: single nucleotide variant.
Coding change: c.1357A>C on transcript NM_001829.4 (MANE Select); coding-DNA position 1357, A replaced by C.
Protein change: p.Ser453Arg; replaces serine 453 with arginine.
Molecular consequence: missense variant.
Genome position (GRCh38, 1-based): chr4:169,697,528, A>C. VCF-style: chr4-169697528-A-C. GRCh37 (hg19) VCF-style: chr4-170618679-A-C.
Other names: c.1276A>C, p.Ser426Arg (NM_001243374.2, NM_001243372.2); c.1357A>C, p.Ser453Arg (NM_173872.4); short protein forms S426R, S453R.
Identifiers: ClinVar variation 1192287 (VCV001192287.2), dbSNP rs201059509, ClinGen allele CA358739787.